The following is an entry in ClinVar:

ClinVar aggregate classification (germline): Uncertain significance. Review status: criteria provided, multiple submitters, no conflicts (2 of 4 stars). 2 submissions from 2 submitters: Uncertain significance (2). Last evaluated 2026-03-03.

Conditions:
Hereditary cancer-predisposing syndrome. Also called: Hereditary Cancer Syndrome; Tumor predisposition; Neoplastic Syndromes, Hereditary; Hereditary neoplastic syndrome. Identifiers: Orphanet 140162, MedGen C0027672, MeSH D009386, MONDO:0015356.

gnomAD v4.1: 2 of 1,614,098 alleles (0.00012%); highest among the groups gnomAD compares: Non-Finnish European, 0.00017%; no homozygotes.

Submissions (2):

Ambry Genetics
Classification: Uncertain significance for Hereditary cancer-predisposing syndrome. Last evaluated: 2026-03-03. Review status: criteria provided, single submitter. Criteria: Ambry Variant Classification Scheme 2023. Collection method: clinical testing. Allele origin: germline.
Comment: The p.D65Y variant (also known as c.193G>T), located in coding exon 2 of the FH gene, results from a G to T substitution at nucleotide position 193. The aspartic acid at codon 65 is replaced by tyrosine, an amino acid with highly dissimilar properties. This amino acid position is highly conserved in available vertebrate species. In addition, this alteration is predicted to be deleterious by in silico analysis. Based on the available evidence, the clinical significance of this variant remains unclear.

Labcorp Genetics (formerly Invitae), Labcorp
Classification: Uncertain significance. Last evaluated: 2026-01-19. Review status: criteria provided, single submitter. Criteria: Invitae Variant Classification Sherloc (09022015). Collection method: clinical testing. Allele origin: germline.
Comment: This sequence change replaces aspartic acid, which is acidic and polar, with tyrosine, which is neutral and polar, at codon 65 of the FH protein (p.Asp65Tyr). This variant is present in population databases (no rsID available, gnomAD 0.0009%). This variant has not been reported in the literature in individuals affected with FH-related conditions. ClinVar contains an entry for this variant (Variation ID: 853180). Invitae Evidence Modeling of protein sequence and biophysical properties (such as structural, functional, and spatial information, amino acid conservation, physicochemical variation, residue mobility, and thermodynamic stability) indicates that this missense variant is expected to disrupt FH protein function with a positive predictive value of 95%. In summary, the available evidence is currently insufficient to determine the role of this variant in disease. Therefore, it has been classified as a Variant of Uncertain Significance.

NM_000143.4(FH):c.193G>T (p.Asp65Tyr)

Gene: FH (fumarate hydratase; minus strand). Cytogenetic location: 1q43.
Variant type: single nucleotide variant.
Coding change: c.193G>T on transcript NM_000143.4 (MANE Select); coding-DNA position 193, G replaced by T.
Protein change: p.Asp65Tyr; replaces aspartic acid 65 with tyrosine.
Molecular consequence: missense variant.
Genome position (GRCh38, 1-based): chr1:241,517,256, C>A on the plus strand (G>T on the coding strand, the complement: FH is on the minus strand). VCF-style: chr1-241517256-C-A. GRCh37 (hg19) VCF-style: chr1-241680556-C-A.
Other names: short protein forms D65Y.
Identifiers: ClinVar variation 853180 (VCV000853180.10), dbSNP rs769956664, ClinGen allele CA345441874.